The following is an entry in ClinVar:

ClinVar aggregate classification (germline): Likely pathogenic (1 of 4 stars; one submission).

Conditions:
Werner syndrome (WRN). Identifiers: Orphanet 902, MedGen C0043119, MONDO:0010196, OMIM 277700.

Allele frequency attached by ClinVar (database versions not stated): TOPMed below 0.00001; gnomAD 0.00001.
gnomAD v4.1: 1 of 1,612,646 alleles (0.000062%); highest among the groups gnomAD compares: Non-Finnish European, 0.000085%; no homozygotes.

Submission:

Labcorp Genetics (formerly Invitae), Labcorp
Classification: Likely pathogenic for Werner syndrome. Last evaluated: 2023-11-07. Review status: criteria provided, single submitter. Criteria: Invitae Variant Classification Sherloc (09022015). Collection method: clinical testing. Allele origin: germline.
Comment: This sequence change affects a donor splice site in intron 11 of the WRN gene. It is expected to disrupt RNA splicing. Variants that disrupt the donor or acceptor splice site typically lead to a loss of protein function (PMID: 16199547), and loss-of-function variants in WRN are known to be pathogenic (PMID: 16673358). This variant is present in population databases (no rsID available, gnomAD 0.007%). This variant has not been reported in the literature in individuals affected with WRN-related conditions. ClinVar contains an entry for this variant (Variation ID: 657847). Algorithms developed to predict the effect of sequence changes on RNA splicing suggest that this variant may disrupt the consensus splice site. In summary, the currently available evidence indicates that the variant is pathogenic, but additional data are needed to prove that conclusively. Therefore, this variant has been classified as Likely Pathogenic.

Literature cited by the submitters: PubMed 16199547; PubMed 16673358.

NM_000553.6(WRN):c.1431+2T>C

Gene: WRN (WRN RecQ like helicase; plus strand). Cytogenetic location: 8p12.
Variant type: single nucleotide variant.
Coding change: c.1431+2T>C on transcript NM_000553.6 (MANE Select); the canonical splice donor site of the intron after coding-DNA position 1431, T replaced by C.
Molecular consequence: splice donor variant.
Genome position (GRCh38, 1-based): chr8:31,085,248, T>C. VCF-style: chr8-31085248-T-C. GRCh37 (hg19) VCF-style: chr8-30942764-T-C.
Identifiers: ClinVar variation 657847 (VCV000657847.8), dbSNP rs1455462438, ClinGen allele CA370923950.